The following is an entry in ClinVar:

ClinVar aggregate classification (germline): Likely pathogenic. Review status: criteria provided, multiple submitters, no conflicts (2 of 4 stars). 2 submissions from 2 submitters: Likely pathogenic (2). Last evaluated 2025-04-25.

Conditions:
COL11A1-related disorder. Also called: COL11A1-related disorders; COL11A1-related condition.

Submissions (2):

PreventionGenetics, part of Exact Sciences
Classification: Likely pathogenic for COL11A1-related condition. Last evaluated: 2025-04-25. Review status: criteria provided, single submitter. Criteria: ACMG Guidelines, 2015. Collection method: clinical testing. Allele origin: germline.
Comment: The COL11A1 c.3601-2A>G variant is predicted to disrupt the AG splice acceptor site and interfere with normal splicing. To our knowledge, this variant has not been reported in the literature. This variant is absent in a large population database (gnomAD), indicating this variant is rare. Variants that disrupt the consensus splice acceptor site in COL11A1 are an established mechanism of disease. This variant is interpreted as likely pathogenic.

Labcorp Genetics (formerly Invitae), Labcorp
Classification: Likely pathogenic. Last evaluated: 2022-12-14. Review status: criteria provided, single submitter. Criteria: Invitae Variant Classification Sherloc (09022015). Collection method: clinical testing. Allele origin: germline.
Comment: This sequence change affects an acceptor splice site in intron 46 of the COL11A1 gene. It is expected to disrupt RNA splicing. Variants that disrupt the donor or acceptor splice site typically lead to a loss of protein function (PMID: 16199547), and loss-of-function variants in COL11A1 are known to be pathogenic (PMID: 20513134, 21035103, 23922384, 25240749, 32427345, 32756486). This variant is not present in population databases (gnomAD no frequency). This variant has not been reported in the literature in individuals affected with COL11A1-related conditions. Algorithms developed to predict the effect of sequence changes on RNA splicing suggest that this variant may disrupt the consensus splice site. In summary, the currently available evidence indicates that the variant is pathogenic, but additional data are needed to prove that conclusively. Therefore, this variant has been classified as Likely Pathogenic.

Literature cited by the submitters: PubMed 16199547 (cited by Labcorp Genetics (formerly Invitae), Labcorp); PubMed 20513134 (cited by Labcorp Genetics (formerly Invitae), Labcorp); PubMed 21035103 (cited by Labcorp Genetics (formerly Invitae), Labcorp); PubMed 23922384 (cited by Labcorp Genetics (formerly Invitae), Labcorp); PubMed 25240749 (cited by Labcorp Genetics (formerly Invitae), Labcorp); PubMed 32427345 (cited by Labcorp Genetics (formerly Invitae), Labcorp); PubMed 32756486 (cited by Labcorp Genetics (formerly Invitae), Labcorp).

NM_001854.4(COL11A1):c.3601-2A>G

Gene: COL11A1 (collagen type XI alpha 1 chain; minus strand). Cytogenetic location: 1p21.1.
Variant type: single nucleotide variant.
Coding change: c.3601-2A>G on transcript NM_001854.4 (MANE Select); the canonical splice acceptor site of the intron before coding-DNA position 3601, A replaced by G.
Molecular consequence: splice acceptor variant.
Genome position (GRCh38, 1-based): chr1:102,923,391, T>C on the plus strand (A>G on the coding strand, the complement: COL11A1 is on the minus strand). VCF-style: chr1-102923391-T-C. GRCh37 (hg19) VCF-style: chr1-103388947-T-C.
Other names: c.3484-2A>G (NM_001190709.2); c.3637-2A>G (NM_080629.3); c.3253-2A>G (NM_080630.4); c.3601-2A>G (NM_001854.3).
Identifiers: ClinVar variation 2820785 (VCV002820785.4), dbSNP rs2524570658, ClinGen allele CA341164729.